The following is an entry in ClinVar:

ClinVar aggregate classification (germline): Uncertain significance (1 of 4 stars; one submission).

Submission:

Dasa
Classification: Uncertain significance. Last evaluated: 2024-11-14. Review status: criteria provided, single submitter. Criteria: DASA Assertion Criteria. Collection method: clinical testing. Allele origin: germline.
Comment: NM_001385079.1(PDE10A):c.2305T>C (p.Phe769Leu) is a missense variant that results in the substitution of phenylalanine with leucine. This variant is absent from population databases. Computational prediction algorithms are consistent with a deleterious effect. The currently available literature and clinical evidence are not sufficient to establish a definitive association between this variant and the reported condition. Therefore, this variant is classified as a variant of uncertain significance.

NM_001385079.1(PDE10A):c.2305T>C (p.Phe769Leu)

Gene: PDE10A (phosphodiesterase 10A; minus strand). Cytogenetic location: 6q27.
Variant type: single nucleotide variant.
Coding change: c.2305T>C on transcript NM_001385079.1 (MANE Select); coding-DNA position 2305, T replaced by C.
Protein change: p.Phe769Leu; replaces phenylalanine 769 with leucine.
Molecular consequence: missense variant.
Genome position (GRCh38, 1-based): chr6:165,392,795, A>G on the plus strand (T>C on the coding strand, the complement: PDE10A is on the minus strand). VCF-style: chr6-165392795-A-G. GRCh37 (hg19) VCF-style: chr6-165806284-A-G.
Other names: c.1507T>C, p.Phe503Leu (NM_001130690.3); c.1477T>C, p.Phe493Leu (NM_006661.4); short protein forms F493L, F503L, F769L.
Identifiers: ClinVar variation 4884935 (VCV004884935.2).